The following is an entry in ClinVar:

ClinVar aggregate classification (germline): Conflicting classifications of pathogenicity. Review status: criteria provided, conflicting classifications (1 of 4 stars). 6 submissions from 5 submitters: Uncertain significance (1); Benign (1); Likely benign (3). 1 of the submissions does not count toward it. Last evaluated 2025-10-11.

Conditions:
ROR2-related disorder. Also called: ROR2-related condition; ROR2-related disorders.
Autosomal recessive Robinow syndrome (RRS1). Also called: ROBINOW SYNDROME, AUTOSOMAL RECESSIVE 1; COSTOVERTEBRAL SEGMENTATION DEFECT WITH MESOMELIA; COVESDEM SYNDROME; ROR2-Related Robinow Syndrome. Identifiers: Orphanet 1507, Orphanet 97360, MedGen C5399974, MONDO:0009999, OMIM 268310.
Brachydactyly type B1 (BDB1). Identifiers: Orphanet 572385, Orphanet 93383, MedGen C1862112, MONDO:0007220, OMIM 113000.

Allele frequency attached by ClinVar (database versions not stated): 1000 Genomes Project 30x 0.00016; gnomAD 0.00029; ESP Exome Variant Server 0.00031; TOPMed 0.00035.
gnomAD v4.1: 570 of 1,613,842 alleles (0.035%); highest among the groups gnomAD compares: Middle Eastern, 0.066%; 1 homozygote.

Submissions (6):

Labcorp Genetics (formerly Invitae), Labcorp
Classification: Likely benign. Last evaluated: 2025-10-11. Review status: criteria provided, single submitter. Criteria: Invitae Variant Classification Sherloc (09022015). Collection method: clinical testing. Allele origin: germline.

CeGaT Center for Human Genetics Tuebingen
Classification: Likely benign. Last evaluated: 2025-05-01. Review status: criteria provided, single submitter. Criteria: CeGaT Center For Human Genetics Tuebingen Variant Classification Criteria Version 2. Collection method: clinical testing. Allele origin: germline. Affected: yes. Observed: 1 variant allele.
Comment: ROR2: BP4, BP7

Blueprint Genetics
Classification: Likely benign. Last evaluated: 2024-10-08. Review status: criteria provided, single submitter. Criteria: ACMG Guidelines, 2015. Collection method: clinical testing. Allele origin: germline.

Illumina Laboratory Services, Illumina
Classification: Benign for Brachydactyly type B1. Last evaluated: 2018-01-12. Review status: criteria provided, single submitter. Criteria: ICSL Variant Classification Criteria 13 December 2019. Collection method: clinical testing. Allele origin: germline.
Comment: This variant was observed in the ICSL laboratory as part of a predisposition screen in an ostensibly healthy population. It had not been previously curated by ICSL or reported in the Human Gene Mutation Database (HGMD: prior to June 1st, 2018), and was therefore a candidate for classification through an automated scoring system. Utilizing variant allele frequency, disease prevalence and penetrance estimates, and inheritance mode, an automated score was calculated to assess if this variant is too frequent to cause the disease. Based on the score and internal cut-off values, a variant classified as benign is not then subjected to further curation. The score for this variant resulted in a classification of benign for this disease.

Illumina Laboratory Services, Illumina
Classification: Uncertain significance for Autosomal recessive Robinow syndrome. Last evaluated: 2018-01-12. Review status: criteria provided, single submitter. Criteria: ICSL Variant Classification Criteria 13 December 2019. Collection method: clinical testing. Allele origin: germline.

PreventionGenetics, part of Exact Sciences
Classification: Likely benign for ROR2-related condition. Last evaluated: 2020-09-02. Review status: no assertion criteria provided. Collection method: clinical testing. Allele origin: germline. Not counted in ClinVar's aggregate classification.
Comment: This variant is classified as likely benign based on ACMG/AMP sequence variant interpretation guidelines (Richards et al. 2015 PMID: 25741868, with internal and published modifications).

NM_004560.4(ROR2):c.1491G>A (p.Pro497=)

Gene: ROR2 (ROR family WNT receptor 2; minus strand). Cytogenetic location: 9q22.31.
Variant type: single nucleotide variant.
Coding change: c.1491G>A on transcript NM_004560.4 (MANE Select); coding-DNA position 1491, G replaced by A.
Protein change: p.Pro497=; no amino-acid change (proline 497 retained).
Molecular consequence: synonymous variant.
Genome position (GRCh38, 1-based): chr9:91,725,003, C>T on the plus strand (G>A on the coding strand, the complement: ROR2 is on the minus strand). VCF-style: chr9-91725003-C-T. GRCh37 (hg19) VCF-style: chr9-94487285-C-T.
Identifiers: ClinVar variation 367504 (VCV000367504.26), dbSNP rs146347005, ClinGen allele CA5120670.